The following is an entry in ClinVar:

NM_002769.5(PRSS1):c.292_305delinsAAATACAACAGCCG (p.Gln98_Lys102delinsLysTyrAsnSerArg)

Genes: TRB (T cell receptor beta locus; plus strand), PRSS1 (serine protease 1; plus strand). Cytogenetic location: 7q34.
Variant type: Indel.
Coding change: c.292_305delinsAAATACAACAGCCG on transcript NM_002769.5 (MANE Select); coding-DNA positions 292 to 305, CAATACGACAGGAA replaced by AAATACAACAGCCG.
Protein change: p.Gln98_Lys102delinsLysTyrAsnSerArg.
Molecular consequence: missense variant.
Genome position (GRCh38, 1-based): chr7:142,751,865-142,751,878, CAATACGACAGGAA replaced by AAATACAACAGCCG. VCF-style: chr7-142751865-CAATACGACAGGAA-AAATACAACAGCCG. GRCh37 (hg19) VCF-style: chr7-142459716-CAATACGACAGGAA-AAATACAACAGCCG.
Identifiers: ClinVar variation 583086 (VCV000583086.3), dbSNP rs1563261113, ClinGen allele CA891842911.

ClinVar aggregate classification (germline): Uncertain significance (1 of 4 stars; one submission).

Conditions:
Hereditary pancreatitis (PCTT). Also called: Hereditary chronic pancreatitis; PRSS1-Related Hereditary Pancreatitis. Identifiers: Orphanet 676, MedGen C0238339, MONDO:0008185, OMIM 167800.

Submission:

Labcorp Genetics (formerly Invitae), Labcorp
Classification: Uncertain significance for Hereditary pancreatitis. Last evaluated: 2022-08-31. Review status: criteria provided, single submitter. Criteria: Invitae Variant Classification Sherloc (09022015). Collection method: clinical testing. Allele origin: germline.
Comment: This variant, c.292_305delinsAAATACAACAGCCG, is a complex sequence change that results in the deletion of 5 and insertion of 5 amino acid(s) in the PRSS1 protein (p.Gln98_Lys102delinsLysTyrAsnSerArg). The frequency data for this variant in the population databases is considered unreliable, as metrics indicate poor data quality at this position in the gnomAD database. This variant has been observed in individual(s) with pancreatitis (PMID: 18184119, 18755888). ClinVar contains an entry for this variant (Variation ID: 1686194). Algorithms developed to predict the effect of missense changes on protein structure and function (SIFT, PolyPhen-2, Align-GVGD) all suggest that this variant is likely to be tolerated. Experimental studies have shown that this variant does not substantially affect PRSS1 function (PMID: 23455445). In summary, the available evidence is currently insufficient to determine the role of this variant in disease. Therefore, it has been classified as a Variant of Uncertain Significance.

Literature cited by the submitters: PubMed 18184119; PubMed 18755888; PubMed 23455445.